The following is an entry in ClinVar:

NM_006922.4(SCN3A):c.1823G>C (p.Arg608Thr)

Gene: SCN3A (sodium voltage-gated channel alpha subunit 3; minus strand). Cytogenetic location: 2q24.3.
Variant type: single nucleotide variant.
Coding change: c.1823G>C on transcript NM_006922.4 (MANE Select); coding-DNA position 1823, G replaced by C.
Protein change: p.Arg608Thr; replaces arginine 608 with threonine.
Molecular consequence: missense variant.
Genome position (GRCh38, 1-based): chr2:165,140,847, C>G on the plus strand (G>C on the coding strand, the complement: SCN3A is on the minus strand). VCF-style: chr2-165140847-C-G. GRCh37 (hg19) VCF-style: chr2-165997357-C-G.
Other names: c.1823G>C, p.Arg608Thr (NM_001081676.2, NM_001081677.2); c.1823G>C (NM_006922.3); short protein forms R608T.
Identifiers: ClinVar variation 3687611 (VCV003687611.3).

ClinVar aggregate classification (germline): Uncertain significance. Review status: criteria provided, multiple submitters, no conflicts (2 of 4 stars). 2 submissions from 2 submitters: Uncertain significance (2). Last evaluated 2024-12-13.

gnomAD v4.1: 6 of 1,614,126 alleles (0.00037%); highest among the groups gnomAD compares: Non-Finnish European, 0.00051%; no homozygotes.

Submissions (2):

GeneDx
Classification: Uncertain significance. Last evaluated: 2024-12-13. Review status: criteria provided, single submitter. Criteria: GeneDx Variant Classification Process June 2021. Collection method: clinical testing. Allele origin: germline. Affected: yes.
Comment: Not observed at significant frequency in large population cohorts (gnomAD); In silico analysis supports that this missense variant has a deleterious effect on protein structure/function; Has not been previously published as pathogenic or benign to our knowledge

Labcorp Genetics (formerly Invitae), Labcorp
Classification: Uncertain significance. Last evaluated: 2024-07-06. Review status: criteria provided, single submitter. Criteria: Invitae Variant Classification Sherloc (09022015). Collection method: clinical testing. Allele origin: germline.
Comment: This sequence change replaces arginine, which is basic and polar, with threonine, which is neutral and polar, at codon 608 of the SCN3A protein (p.Arg608Thr). This variant is not present in population databases (gnomAD no frequency). This variant has not been reported in the literature in individuals affected with SCN3A-related conditions. Advanced modeling of protein sequence and biophysical properties (such as structural, functional, and spatial information, amino acid conservation, physicochemical variation, residue mobility, and thermodynamic stability) performed at Invitae indicates that this missense variant is not expected to disrupt SCN3A protein function with a negative predictive value of 95%. In summary, the available evidence is currently insufficient to determine the role of this variant in disease. Therefore, it has been classified as a Variant of Uncertain Significance.